The following is an entry in ClinVar:

NM_007294.4(BRCA1):c.1881C>G (p.Val627=)

Gene: BRCA1 (BRCA1 DNA repair associated; minus strand). Cytogenetic location: 17q21.31.
Variant type: single nucleotide variant.
Coding change: c.1881C>G on transcript NM_007294.4 (MANE Select); coding-DNA position 1881, C replaced by G.
Protein change: p.Val627=; no amino-acid change (valine 627 retained).
Molecular consequence: synonymous variant. On other transcripts: intron variant (137).
Genome position (GRCh38, 1-based): chr17:43,093,650, G>C on the plus strand (C>G on the coding strand, the complement: BRCA1 is on the minus strand). VCF-style: chr17-43093650-G-C. GRCh37 (hg19) VCF-style: chr17-41245667-G-C.
Other names: 2000C/G; p.V627V:GTC>GTG; c.1668C>G, p.Val556= (NM_001407571.1, NM_001407853.1, NM_001407894.1 and 9 more transcripts); c.1881C>G, p.Val627= (NM_001407581.1, NM_001407582.1, NM_001407583.1 and 30 more transcripts); c.1878C>G, p.Val626= (NM_001407587.1, NM_001407590.1, NM_001407591.1 and 22 more transcripts); c.1872C>G, p.Val624= (NM_001407646.1, NM_001407647.1); c.1758C>G, p.Val586= (NM_001407648.1, NM_001407664.1, NM_001407665.1 and 19 more transcripts); c.1755C>G, p.Val585= (NM_001407649.1, NM_001407670.1, NM_001407671.1 and 11 more transcripts); and 42 more.
Identifiers: ClinVar variation 54378 (VCV000054378.108), dbSNP rs80356838, ClinGen allele CA001223.
Genomic context (GRCh38, chr17:43,093,650, plus strand): 5'-ACTGCTAGAACAACTATCAATTTGCAATTCAGTACAATTAGGTGGGCTTAGATTTCTACT[G>C]ACTACTAGTTCAAGCGCATGAATATGCCTGGTAGAAGACTTCCTCCTCAGCCTATTCTTT-3'
Protein context (NP_009225.1, residues 617-637): TRHIHALELV[Val627=]SRNLSPPNCT

ClinVar aggregate classification (germline): Conflicting classifications of pathogenicity. Review status: criteria provided, conflicting classifications (1 of 4 stars). 18 submissions from 18 submitters: Uncertain significance (8); Benign (1); Likely benign (7). 2 of the submissions do not count toward it. Last evaluated 2026-01-31.

Conditions:
Fanconi anemia, complementation group S (FANCS). Identifiers: MedGen C4554406, MONDO:0054748, OMIM 617883.
Breast-ovarian cancer, familial, susceptibility to, 1 (BROVCA1). Also called: BRCA1 Hereditary Breast and Ovarian Cancer; OVARIAN CANCER, SUSCEPTIBILITY TO. Identifiers: Orphanet 145, MedGen C2676676, MONDO:0011450, OMIM 604370. Disease mechanism: loss of function.
Familial cancer of breast. Also called: BREAST CANCER, FAMILIAL; hereditary breast carcinoma; Hereditary breast cancer. Identifiers: Orphanet 227535, MedGen C0346153, MONDO:0016419, OMIM 114480. Disease mechanism: loss of function.
Hereditary cancer-predisposing syndrome. Also called: Hereditary Cancer Syndrome; Tumor predisposition; Neoplastic Syndromes, Hereditary; Hereditary neoplastic syndrome. Identifiers: Orphanet 140162, MedGen C0027672, MeSH D009386, MONDO:0015356.
Hereditary breast ovarian cancer syndrome. Also called: Breast and ovarian cancer; BRCA1- and BRCA2-Associated Hereditary Breast and Ovarian Cancer; Hereditary breast and ovarian cancer; Hereditary breast and ovarian cancer syndrome (HBOC); Hereditary breast and ovarian cancer syndrome; Hereditary breast and/or ovarian cancer syndrome. Identifiers: Orphanet 145, MedGen C0677776, MeSH D061325, MONDO:0003582. Disease mechanism: loss of function.

Allele frequency attached by ClinVar (database versions not stated): TOPMed 0.00002; gnomAD 0.00003; ESP Exome Variant Server 0.00015.
gnomAD v4.1: 26 of 1,613,912 alleles (0.0016%); highest among the groups gnomAD compares: Non-Finnish European, 0.0021%; no homozygotes.

Submissions (18):

Labcorp Genetics (formerly Invitae), Labcorp
Classification: Likely benign for Hereditary breast ovarian cancer syndrome. Last evaluated: 2026-01-31. Review status: criteria provided, single submitter. Criteria: Invitae Variant Classification Sherloc (09022015). Collection method: clinical testing. Allele origin: germline.

Center for Genomic Medicine, Rigshospitalet, Copenhagen University Hospital
Classification: Likely benign. Last evaluated: 2025-12-29. Review status: criteria provided, single submitter. Criteria: ACMG Guidelines, 2015. Collection method: clinical testing. Allele origin: germline.

Women's Health and Genetics/Laboratory Corporation of America, LabCorp
Classification: Uncertain significance. Last evaluated: 2025-09-15. Review status: criteria provided, single submitter. Criteria: LabCorp Variant Classification Summary - May 2015. Collection method: clinical testing. Allele origin: germline.
Comment: Variant summary: BRCA1 c.1881C>G results in a synonymous change. Several computational tools predict a significant impact on normal splicing: Three predict the variant creates a 5 donor site. One predict the variant strengthens a 5 donor site. However, these predictions have yet to be confirmed by functional studies. The variant allele was found at a frequency of 4.4e-05 in 251180 control chromosomes (gnomAD). This frequency is not significantly higher than estimated for disease-causing variants in BRCA1, allowing no conclusion about variant significance. c.1881C>G has been observed in individuals affected with breast or ovarian cancer or in individuals being referred for genetic testing without strong evidence of causality (e.g., Apessos_2018, de Jonge_2018, Kraemer_2019, Germani_2018, Nicolussi_2019, Fortuno_2024). These reports do not provide unequivocal conclusions about association of the variant with Hereditary Breast And Ovarian Cancer Syndrome. To our knowledge, no experimental evidence demonstrating an impact on protein function has been reported. The following publications have been ascertained in the context of this evaluation (PMID: 29310832, 30263092, 32380732, 31422574, 21523855, 31065452, 33606809, 29936257, 39402389). ClinVar contains an entry for this variant (Variation ID: 54378). Based on the evidence outlined above, the variant was classified as uncertain significance.

CeGaT Center for Human Genetics Tuebingen
Classification: Likely benign. Last evaluated: 2025-06-01. Review status: criteria provided, single submitter. Criteria: CeGaT Center For Human Genetics Tuebingen Variant Classification Criteria Version 2. Collection method: clinical testing. Allele origin: germline. Affected: yes. Observed: 1 variant allele.
Comment: BRCA1: BP4, BP7, BS1

Blueprint Genetics
Classification: Likely benign. Last evaluated: 2024-11-28. Review status: criteria provided, single submitter. Criteria: ACMG Guidelines, 2015. Collection method: clinical testing. Allele origin: germline.

Quest Diagnostics Nichols Institute San Juan Capistrano
Classification: Benign. Last evaluated: 2024-02-02. Review status: criteria provided, single submitter. Criteria: Quest Diagnostics criteria. Collection method: clinical testing. Allele origin: unknown.

All of Us Research Program, National Institutes of Health
Classification: Likely benign for Breast-ovarian cancer, familial, susceptibility to, 1. Last evaluated: 2023-12-13. Review status: criteria provided, single submitter. Criteria: ACMG Guidelines, 2015. Collection method: clinical testing. Allele origin: germline. Inheritance: Autosomal dominant inheritance. Observed: 4 variant alleles, 4 heterozygotes.
Comment: This study involves interpretation of variants in research participants for the purpose of population health screening. Participant phenotype was not available at the time of variant classification. Additional details can be found in publication PMID: 35346344, PMCID: PMC8962531

Institute for Biomarker Research, Medical Diagnostic Laboratories, L.L.C.
Classification: Uncertain significance for Hereditary breast ovarian cancer syndrome. Last evaluated: 2023-11-28. Review status: criteria provided, single submitter. Criteria: ACMG Guidelines, 2015. Collection method: clinical testing. Allele origin: germline.

Department of Pathology and Laboratory Medicine, Sinai Health System
Classification: Uncertain significance for Familial cancer of breast; Breast-ovarian cancer, familial, susceptibility to, 1; Fanconi anemia, complementation group S. Last evaluated: 2022-04-25. Review status: criteria provided, single submitter. Criteria: ACMG Guidelines, 2015. Collection method: clinical testing. Allele origin: germline. Affected: yes.

Color Diagnostics, LLC DBA Color Health
Classification: Likely benign for Hereditary cancer-predisposing syndrome. Last evaluated: 2021-11-02. Review status: criteria provided, single submitter. Criteria: ACMG Guidelines, 2015. Collection method: clinical testing. Allele origin: germline.

Genetics Program, Instituto Nacional de Cancer
Classification: Uncertain significance for Hereditary breast ovarian cancer syndrome. Last evaluated: 2021-11-01. Review status: criteria provided, single submitter. Criteria: ACMG Guidelines, 2015. Collection method: research. Allele origin: germline. Affected: yes.

GeneDx
Classification: Uncertain significance. Last evaluated: 2021-07-28. Review status: criteria provided, single submitter. Criteria: GeneDx Variant Classification Process June 2021. Collection method: clinical testing. Allele origin: germline. Affected: yes.
Comment: Observed in individuals with personal or family history suggestive of hereditary breast and ovarian cancer (Apessos 2018, de Jonge 2018, Germani 2018, Nicolussi 2019); In silico analysis, which includes splice predictors and evolutionary conservation, suggests this variant may impact gene splicing. In the absence of RNA/functional studies, the actual effect of this sequence change is unknown.; Also known as 2000C>G; This variant is associated with the following publications: (PMID: 34178674, 31422574, 31065452, 30263092, 29936257, 29310832, 21523855)

Sema4
Classification: Uncertain significance for Hereditary cancer-predisposing syndrome. Last evaluated: 2021-04-03. Review status: criteria provided, single submitter. Criteria: Sema4 Curation Guidelines. Collection method: curation. Allele origin: germline.
Comment: The BRCA1 c.1881C>G (p.V627=) variant has been reported in heterozygosity in several individuals with being referred for genetic testing related to breast and ovarian cancer as well at least one individual being tested for a non-cancer indication (PMID: 29310832, 31065452, 29936257, 31422574). This variant was observed in 12/129,000 chromosomes in the Non-Finnish European population, with no homozygotes, according to the Genome Aggregation Database (PMID: 32461654). This variant has been reported in ClinVar (Variation ID: 54378). In silico tools suggest that this variant may strengthen a cryptic splice site, though these predictions have not been confirmed by functional studies. There is no indication that this variant causes disease, but the evidence is insufficient currently to prove that conclusively. In summary, the clinical significance of this variant is currently uncertain.

Ambry Genetics
Classification: Likely benign for Hereditary cancer-predisposing syndrome. Last evaluated: 2020-01-15. Review status: criteria provided, single submitter. Criteria: Ambry Variant Classification Scheme 2023. Collection method: clinical testing. Allele origin: germline.

Mayo Clinic Laboratories, Mayo Clinic
Classification: Uncertain significance. Last evaluated: 2019-10-25. Review status: criteria provided, single submitter. Criteria: ACMG Guidelines, 2015. Collection method: clinical testing. Allele origin: germline. Observed: 1 variant allele.

Genetic Services Laboratory, University of Chicago
Classification: Uncertain significance. Last evaluated: 2019-03-27. Review status: criteria provided, single submitter. Criteria: ACMG Guidelines, 2015. Collection method: clinical testing. Allele origin: germline. Affected: no.

Department of Medical and Surgical Sciences, University of Bologna
Classification: Likely benign for Breast-ovarian cancer, familial, susceptibility to, 1. Last evaluated: 2023-09-01. Review status: no assertion criteria provided. Collection method: clinical testing. Allele origin: germline. Affected: yes. Not counted in ClinVar's aggregate classification.
Comment: BS1(Supporting)+BP1(Strong)+BP5(Supporting) according to ACMG/AMP classification guidelines specified for BRCA1 & BRCA2 (Classification Criteria V1.0.0 2023-09-08) (PMID: 38160042)

Breast Cancer Information Core (BIC) (BRCA1)
Classification: Uncertain significance for Breast-ovarian cancer, familial 1. Last evaluated: 2000-06-12. Review status: no assertion criteria provided. Collection method: clinical testing. Allele origin: unknown. Affected: yes. Observed: 1 variant allele. Not counted in ClinVar's aggregate classification.

Literature cited by the submitters: PubMed 30263092 (cited by 4 submitters); PubMed 31065452 (cited by 5 submitters); PubMed 29936257 (cited by 5 submitters); PubMed 21523855 (cited by Women's Health and Genetics/Laboratory Corporation of America, LabCorp); PubMed 29310832 (cited by 4 submitters); PubMed 31422574 (cited by 3 submitters); PubMed 32380732 (cited by Women's Health and Genetics/Laboratory Corporation of America, LabCorp and Quest Diagnostics Nichols Institute San Juan Capistrano); PubMed 33606809 (cited by Women's Health and Genetics/Laboratory Corporation of America, LabCorp and Quest Diagnostics Nichols Institute San Juan Capistrano); PubMed 39402389 (cited by Women's Health and Genetics/Laboratory Corporation of America, LabCorp); PubMed 36329109 (cited by Quest Diagnostics Nichols Institute San Juan Capistrano and Genetics Program, Instituto Nacional de Cancer); PubMed 34178674 (cited by Quest Diagnostics Nichols Institute San Juan Capistrano).